The following is an entry in ClinVar:

NM_177924.5(ASAH1):c.758C>G (p.Thr253Ser)

Gene: ASAH1 (N-acylsphingosine amidohydrolase 1; minus strand). Cytogenetic location: 8p22.
Variant type: single nucleotide variant.
Coding change: c.758C>G on transcript NM_177924.5 (MANE Select); coding-DNA position 758, C replaced by G.
Protein change: p.Thr253Ser; replaces threonine 253 with serine.
Molecular consequence: missense variant.
Genome position (GRCh38, 1-based): chr8:18,061,404, G>C on the plus strand (C>G on the coding strand, the complement: ASAH1 is on the minus strand). VCF-style: chr8-18061404-G-C. GRCh37 (hg19) VCF-style: chr8-17918913-G-C.
Other names: c.740C>G, p.Thr247Ser (NM_001127505.3); c.563C>G, p.Thr188Ser (NM_001363743.2); c.806C>G, p.Thr269Ser (NM_004315.6); short protein forms T253S, T247S, T269S, T188S.
Identifiers: ClinVar variation 1375276 (VCV001375276.3), dbSNP rs749399433, ClinGen allele CA4650690.
Genomic context (GRCh38, chr8:18,061,404, plus strand): 5'-AATATTTAATAGTAAAGCAACGAAACACTTTACCTTGTGCTATTTTCCAGAACTGTTCTA[G>C]TGAGGAACCCTATCCACATGACATCTTTCTTTCCCAGAATCCATTCTAGAATACCTGGAA-3'
Protein context (NP_808592.2, residues 243-263): KKDVMWIGFL[Thr253Ser]RTVLENSTSY

ClinVar aggregate classification (germline): Uncertain significance (1 of 4 stars; one submission).

Allele frequency attached by ClinVar (database versions not stated): gnomAD 0.00001.
gnomAD v4.1: 20 of 1,612,712 alleles (0.0012%); highest among the groups gnomAD compares: Non-Finnish European, 0.0016%; no homozygotes.

Submission:

Labcorp Genetics (formerly Invitae), Labcorp
Classification: Uncertain significance. Last evaluated: 2022-07-19. Review status: criteria provided, single submitter. Criteria: Invitae Variant Classification Sherloc (09022015). Collection method: clinical testing. Allele origin: germline.
Comment: This sequence change replaces threonine, which is neutral and polar, with serine, which is neutral and polar, at codon 253 of the ASAH1 protein (p.Thr253Ser). This variant is present in population databases (rs749399433, gnomAD 0.002%). This variant has not been reported in the literature in individuals affected with ASAH1-related conditions. ClinVar contains an entry for this variant (Variation ID: 1375276). Algorithms developed to predict the effect of missense changes on protein structure and function (SIFT, PolyPhen-2, Align-GVGD) all suggest that this variant is likely to be tolerated. In summary, the available evidence is currently insufficient to determine the role of this variant in disease. Therefore, it has been classified as a Variant of Uncertain Significance.